The following is an entry in ClinVar:

ClinVar aggregate classification (germline): Uncertain significance. Review status: criteria provided, multiple submitters, no conflicts (2 of 4 stars). 2 submissions from 2 submitters: Uncertain significance (2). Last evaluated 2026-01-13.

Allele frequency attached by ClinVar (database versions not stated): gnomAD 0.00007; TOPMed 0.00007; ESP Exome Variant Server 0.00023; ExAC 0.00003.
gnomAD v4.1: 13 of 1,610,908 alleles (0.00081%); highest among the groups gnomAD compares: Middle Eastern, 0.017%; no homozygotes.

Submissions (2):

Labcorp Genetics (formerly Invitae), Labcorp
Classification: Uncertain significance. Last evaluated: 2026-01-13. Review status: criteria provided, single submitter. Criteria: Invitae Variant Classification Sherloc (09022015). Collection method: clinical testing. Allele origin: germline.
Comment: This sequence change replaces glutamic acid, which is acidic and polar, with alanine, which is neutral and non-polar, at codon 623 of the CEP97 protein (p.Glu623Ala). This variant is present in population databases (rs375618960, gnomAD 0.04%). This variant has not been reported in the literature in individuals affected with CEP97-related conditions. ClinVar contains an entry for this variant (Variation ID: 2527871). Invitae Evidence Modeling of protein sequence and biophysical properties (such as structural, functional, and spatial information, amino acid conservation, physicochemical variation, residue mobility, and thermodynamic stability) indicates that this missense variant is expected to disrupt CEP97 protein function with a positive predictive value of 80%. In summary, the available evidence is currently insufficient to determine the role of this variant in disease. Therefore, it has been classified as a Variant of Uncertain Significance.

Ambry Genetics
Classification: Uncertain significance. Last evaluated: 2023-03-21. Review status: criteria provided, single submitter. Criteria: Ambry Variant Classification Scheme 2023. Collection method: clinical testing. Allele origin: germline.

NM_024548.4(CEP97):c.1868A>C (p.Glu623Ala)

Gene: CEP97 (centrosomal protein 97; plus strand). Cytogenetic location: 3q12.3.
Variant type: single nucleotide variant.
Coding change: c.1868A>C on transcript NM_024548.4 (MANE Select); coding-DNA position 1868, A replaced by C.
Protein change: p.Glu623Ala; replaces glutamic acid 623 with alanine.
Molecular consequence: missense variant.
Genome position (GRCh38, 1-based): chr3:101,762,535, A>C. VCF-style: chr3-101762535-A-C. GRCh37 (hg19) VCF-style: chr3-101481379-A-C.
Other names: c.1691A>C, p.Glu564Ala (NM_001303401.2); c.1766A>C, p.Glu589Ala (NM_001410784.1); c.1589A>C, p.Glu530Ala (NM_001410785.1); short protein forms E564A, E530A, E589A, E623A.
Identifiers: ClinVar variation 2527871 (VCV002527871.3), dbSNP rs375618960, ClinGen allele CA2522220.